The following is an entry in ClinVar:

ClinVar aggregate classification (germline): Uncertain significance (1 of 4 stars; one submission).

Conditions:
Hajdu-Cheney syndrome (HJCYS). Also called: SERPENTINE FIBULA-POLYCYSTIC KIDNEY SYNDROME; ACROOSTEOLYSIS WITH OSTEOPOROSIS AND CHANGES IN SKULL AND MANDIBLE; Acroosteolysis dominant type. Identifiers: Orphanet 955, MedGen C0917715, MONDO:0007057, OMIM 102500.

Allele frequency attached by ClinVar (database versions not stated): ExAC 0.00002; TOPMed 0.00003; gnomAD 0.00007.
gnomAD v4.1: 14 of 1,614,106 alleles (0.00087%); highest among the groups gnomAD compares: African/African-American, 0.019%; no homozygotes.

Submission:

Labcorp Genetics (formerly Invitae), Labcorp
Classification: Uncertain significance for Hajdu-Cheney syndrome. Last evaluated: 2023-11-18. Review status: criteria provided, single submitter. Criteria: Invitae Variant Classification Sherloc (09022015). Collection method: clinical testing. Allele origin: germline.
Comment: This sequence change replaces valine, which is neutral and non-polar, with isoleucine, which is neutral and non-polar, at codon 1103 of the NOTCH2 protein (p.Val1103Ile). This variant is present in population databases (rs782489357, gnomAD 0.02%). This missense change has been observed in individual(s) with NOTCH2-related conditions (PMID: 33448881). ClinVar contains an entry for this variant (Variation ID: 1944116). Advanced modeling of protein sequence and biophysical properties (such as structural, functional, and spatial information, amino acid conservation, physicochemical variation, residue mobility, and thermodynamic stability) performed at Invitae indicates that this missense variant is not expected to disrupt NOTCH2 protein function with a negative predictive value of 80%. In summary, the available evidence is currently insufficient to determine the role of this variant in disease. Therefore, it has been classified as a Variant of Uncertain Significance.

Literature cited by the submitters: PubMed 33448881.

NM_024408.4(NOTCH2):c.3307G>A (p.Val1103Ile)

Gene: NOTCH2 (notch receptor 2; minus strand). Cytogenetic location: 1p12.
Variant type: single nucleotide variant.
Coding change: c.3307G>A on transcript NM_024408.4 (MANE Select); coding-DNA position 3307, G replaced by A.
Protein change: p.Val1103Ile; replaces valine 1103 with isoleucine.
Molecular consequence: missense variant.
Genome position (GRCh38, 1-based): chr1:119,937,887, C>T on the plus strand (G>A on the coding strand, the complement: NOTCH2 is on the minus strand). VCF-style: chr1-119937887-C-T. GRCh37 (hg19) VCF-style: chr1-120480510-C-T.
Other names: c.3307G>A, p.Val1103Ile (NM_001200001.2); short protein forms V1103I.
Identifiers: ClinVar variation 1944116 (VCV001944116.5), dbSNP rs782489357, ClinGen allele CA1040101.